The following is an entry in ClinVar:

NM_017813.5(BPNT2):c.186C>G (p.Asp62Glu)

Gene: BPNT2 (3'(2'), 5'-bisphosphate nucleotidase 2; minus strand). Cytogenetic location: 8q12.1.
Variant type: single nucleotide variant.
Coding change: c.186C>G on transcript NM_017813.5 (MANE Select); coding-DNA position 186, C replaced by G.
Protein change: p.Asp62Glu; replaces aspartic acid 62 with glutamic acid.
Molecular consequence: missense variant.
Genome position (GRCh38, 1-based): chr8:56,993,400, G>C on the plus strand (C>G on the coding strand, the complement: BPNT2 is on the minus strand). VCF-style: chr8-56993400-G-C. GRCh37 (hg19) VCF-style: chr8-57905959-G-C.
Other names: short protein forms D62E.
Identifiers: ClinVar variation 2197647 (VCV002197647.4), dbSNP rs1184168622, ClinGen allele CA371386234.

ClinVar aggregate classification (germline): Uncertain significance (1 of 4 stars; one submission).

gnomAD v4.1: 2 of 1,606,428 alleles (0.00012%); highest among the groups gnomAD compares: Non-Finnish European, 0.00017%; no homozygotes.

Submission:

Labcorp Genetics (formerly Invitae), Labcorp
Classification: Uncertain significance. Last evaluated: 2024-02-24. Review status: criteria provided, single submitter. Criteria: Invitae Variant Classification Sherloc (09022015). Collection method: clinical testing. Allele origin: germline.
Comment: This sequence change replaces aspartic acid, which is acidic and polar, with glutamic acid, which is acidic and polar, at codon 62 of the IMPAD1 protein (p.Asp62Glu). This variant is not present in population databases (gnomAD no frequency). This variant has not been reported in the literature in individuals affected with IMPAD1-related conditions. ClinVar contains an entry for this variant (Variation ID: 2197647). An algorithm developed to predict the effect of missense changes on protein structure and function (PolyPhen-2) suggests that this variant is likely to be tolerated. In summary, the available evidence is currently insufficient to determine the role of this variant in disease. Therefore, it has been classified as a Variant of Uncertain Significance.